The following is an entry in ClinVar:

NM_032888.4(COL27A1):c.4285C>T (p.Arg1429Trp)

Gene: COL27A1 (collagen type XXVII alpha 1 chain; plus strand). Cytogenetic location: 9q32.
Variant type: single nucleotide variant.
Coding change: c.4285C>T on transcript NM_032888.4 (MANE Select); coding-DNA position 4285, C replaced by T.
Protein change: p.Arg1429Trp; replaces arginine 1429 with tryptophan.
Molecular consequence: missense variant.
Genome position (GRCh38, 1-based): chr9:114,290,248, C>T. VCF-style: chr9-114290248-C-T. GRCh37 (hg19) VCF-style: chr9-117052528-C-T.
Other names: short protein forms R1429W.
Identifiers: ClinVar variation 1197859 (VCV001197859.4), dbSNP rs200170613, ClinGen allele CA5202910.
Genomic context (GRCh38, chr9:114,290,248, plus strand): 5'-CCAAATGCCCTCACCAGCTTTTTATGTACCCCCCAGGGCCTGCAGGGGCTGCCAGGGCCC[C>T]GGGGCGTGGTGGGGAGACAGGGCCTCGAGGGCATCGCTGGACCAGATGGGCTTCCTGGCA-3'
Protein context (NP_116277.2, residues 1419-1439): VQGLQGLPGP[Arg1429Trp]GVVGRQGLEG

ClinVar aggregate classification (germline): Uncertain significance. Review status: criteria provided, multiple submitters, no conflicts (2 of 4 stars). 2 submissions from 2 submitters: Uncertain significance (2). Last evaluated 2022-10-05.

Allele frequency attached by ClinVar (database versions not stated): gnomAD 0.00003 and 0.00004; gnomAD exomes 0.00007; ESP Exome Variant Server 0.00016; ExAC 0.00019; 1000 Genomes Project 0.00020; 1000 Genomes Project 30x 0.00031.
gnomAD v4.1: 90 of 1,572,700 alleles (0.0057%); highest among the groups gnomAD compares: South Asian, 0.048%; no homozygotes.

Submissions (2):

Labcorp Genetics (formerly Invitae), Labcorp
Classification: Uncertain significance. Last evaluated: 2022-10-05. Review status: criteria provided, single submitter. Criteria: Invitae Variant Classification Sherloc (09022015). Collection method: clinical testing. Allele origin: germline.
Comment: This sequence change replaces arginine, which is basic and polar, with tryptophan, which is neutral and slightly polar, at codon 1429 of the COL27A1 protein (p.Arg1429Trp). This variant is present in population databases (rs200170613, gnomAD 0.04%). This variant has not been reported in the literature in individuals affected with COL27A1-related conditions. ClinVar contains an entry for this variant (Variation ID: 1197859). Advanced modeling of protein sequence and biophysical properties (such as structural, functional, and spatial information, amino acid conservation, physicochemical variation, residue mobility, and thermodynamic stability) has been performed at Invitae for this missense variant, however the output from this modeling did not meet the statistical confidence thresholds required to predict the impact of this variant on COL27A1 protein function. In summary, the available evidence is currently insufficient to determine the role of this variant in disease. Therefore, it has been classified as a Variant of Uncertain Significance.

GeneDx
Classification: Uncertain significance. Last evaluated: 2020-02-10. Review status: criteria provided, single submitter. Criteria: GeneDx Variant Classification Process June 2021. Collection method: clinical testing. Allele origin: germline. Affected: yes.
Comment: In silico analysis supports that this missense variant has a deleterious effect on protein structure/function; Has not been previously published as pathogenic or benign to our knowledge